The following is an entry in ClinVar:

NM_003001.5(SDHC):c.116A>G (p.Glu39Gly)

Gene: SDHC (succinate dehydrogenase complex subunit C; plus strand). Cytogenetic location: 1q23.3.
Variant type: single nucleotide variant.
Coding change: c.116A>G on transcript NM_003001.5 (MANE Select); coding-DNA position 116, A replaced by G.
Protein change: p.Glu39Gly; replaces glutamic acid 39 with glycine.
Molecular consequence: missense variant. On other transcripts: non-coding transcript variant (1), intron variant (4).
Genome position (GRCh38, 1-based): chr1:161,328,434, A>G. VCF-style: chr1-161328434-A-G. GRCh37 (hg19) VCF-style: chr1-161298224-A-G.
Other names: c.116A>G, p.Glu39Gly (NM_001035511.3, NM_001407115.1); c.59A>G, p.Glu20Gly (NM_001407116.1, NM_001407117.1, NM_001407121.1); c.5A>G, p.Glu2Gly (NM_001407119.1, NM_001407120.1); c.77+4764A>G (NM_001035512.3, NM_001278172.3, NM_001407118.1); c.21-12160A>G (NM_001035513.3); short protein forms E20G, E2G, E39G.
Identifiers: ClinVar variation 1739059 (VCV001739059.6), dbSNP rs1060501388, ClinGen allele CA343361032.
Genomic context (GRCh38, chr1:161,328,434, plus strand): 5'-AAACGGTCTGGTTTTATTTTAGTGCTGTTCCTTTGGGAACCACGGCCAAAGAAGAGATGG[A>G]GCGGTTCTGGAATAAGAATATAGGTTCAAACCGTCCTCTGTCTCCCCACATTACTATCTA-3'
Protein context (NP_002992.1, residues 29-49): PLGTTAKEEM[Glu39Gly]RFWNKNIGSN

ClinVar aggregate classification (germline): Uncertain significance. Review status: criteria provided, multiple submitters, no conflicts (2 of 4 stars). 3 submissions from 3 submitters: Uncertain significance (3). Last evaluated 2025-12-23.

Conditions:
Hereditary cancer-predisposing syndrome. Also called: Tumor predisposition; Neoplastic Syndromes, Hereditary; Hereditary Cancer Syndrome; Hereditary neoplastic syndrome. Identifiers: Orphanet 140162, MedGen C0027672, MeSH D009386, MONDO:0015356.
Gastrointestinal stromal tumor. Also called: Gastrointestinal stroma tumor; Gastrointestinal stromal tumor, somatic. Identifiers: Orphanet 44890, MedGen C0238198, MeSH D046152, MONDO:0011719, OMIM 606764, HP:0100723.
Pheochromocytoma/paraganglioma syndrome 3. Also called: GLOMUS TUMORS, FAMILIAL, 3; SDHC-Related Hereditary Paraganglioma-Pheochromocytoma Syndrome; SDHC-Related Hereditary Paraganglioma-Pheochromocytoma Syndrome (Paragangliomas 3); Paragangliomas 3. Identifiers: Orphanet 29072, MedGen C1854336, MONDO:0011544, OMIM 605373.

Submissions (3):

Ambry Genetics
Classification: Uncertain significance for Hereditary cancer-predisposing syndrome. Last evaluated: 2025-12-23. Review status: criteria provided, single submitter. Criteria: Ambry Variant Classification Scheme 2023. Collection method: clinical testing. Allele origin: germline.
Comment: The p.E39G variant (also known as c.116A>G), located in coding exon 3 of the SDHC gene, results from an A to G substitution at nucleotide position 116. The glutamic acid at codon 39 is replaced by glycine, an amino acid with similar properties. This amino acid position is well conserved in available vertebrate species. In addition, the in silico prediction for this alteration is inconclusive. Based on the available evidence, the clinical significance of this variant remains unclear.

Labcorp Genetics (formerly Invitae), Labcorp
Classification: Uncertain significance for Pheochromocytoma/paraganglioma syndrome 3; Gastrointestinal stromal tumor. Last evaluated: 2025-06-24. Review status: criteria provided, single submitter. Criteria: Invitae Variant Classification Sherloc (09022015). Collection method: clinical testing. Allele origin: germline.
Comment: This sequence change replaces glutamic acid, which is acidic and polar, with glycine, which is neutral and non-polar, at codon 39 of the SDHC protein (p.Glu39Gly). This variant is not present in population databases (gnomAD no frequency). This variant has not been reported in the literature in individuals affected with SDHC-related conditions. ClinVar contains an entry for this variant (Variation ID: 1739059). Invitae Evidence Modeling of protein sequence and biophysical properties (such as structural, functional, and spatial information, amino acid conservation, physicochemical variation, residue mobility, and thermodynamic stability) indicates that this missense variant is expected to disrupt SDHC protein function with a positive predictive value of 80%. In summary, the available evidence is currently insufficient to determine the role of this variant in disease. Therefore, it has been classified as a Variant of Uncertain Significance.

Baylor Genetics
Classification: Uncertain significance for Gastrointestinal stromal tumor. Last evaluated: 2023-11-16. Review status: criteria provided, single submitter. Criteria: ACMG Guidelines, 2015. Collection method: clinical testing. Allele origin: unknown.